The following is an entry in ClinVar:

ClinVar aggregate classification (germline): Uncertain significance. Review status: criteria provided, single submitter (1 of 4 stars). 2 submissions from 2 submitters: Uncertain significance (1). 1 of the submissions does not count toward it. Last evaluated 2020-03-24.

Conditions:
Pyruvate dehydrogenase complex deficiency (PDHC). Also called: Pyruvate Dehydrogenase Complex Deficiency Disease; Pyruvate dehydrogenase deficiency; Ataxia with lactic acidosis 1; PDH DEFICIENCY; PYRUVATE DECARBOXYLASE DEFICIENCY. Identifiers: Orphanet 765, Orphanet 79243, MedGen C0034345, MONDO:0019169.
Pyruvate dehydrogenase E1-alpha deficiency (PDHAD). Also called: ATAXIA, INTERMITTENT, WITH ABNORMAL PYRUVATE METABOLISM; ATAXIA, INTERMITTENT, WITH PYRUVATE DEHYDROGENASE DEFICIENCY; ATAXIA WITH LACTIC ACIDOSIS I; Ataxia, intermittent, with pyruvate dehydrogenase, or decarboxylase, deficiency. Identifiers: Orphanet 79243, MedGen C1839413, MONDO:0010717, OMIM 312170.

Allele frequency attached by ClinVar (database versions not stated): TOPMed below 0.00001.

Submissions (2):

Division Of Personalized Genomic Medicine, Columbia University Irving Medical Center
Classification: Uncertain significance for Pyruvate dehydrogenase E1-alpha deficiency. Last evaluated: 2020-03-24. Review status: criteria provided, single submitter. Criteria: ACMG Guidelines, 2015. Collection method: clinical testing. Allele origin: maternal. Inheritance: X-linked inheritance. Affected: no. Observed: 1 hemizygote.
Comment: The c.1273_1278dupAAGTCA variant in the PDHA1 gene is an in frame duplication of 6 nucleotides that cause the duplication of the lysine and serine residues at positions 425 and 426 (p.Lys425_Ser426dup) in exon 12 (out of 12 exons total). The variant is absent from the Genome Aggregation Database (gnomAD), indicating that it is not a common benign variant in the populations represented therein. Therefore, based on above evidence, the c.1273_1278dupAAGTCA (p.Lys425_Ser426dup) variant is interpreted here as a variant of uncertain clinical significance.

Natera, Inc.
Classification: Uncertain significance for Pyruvate decarboxylase deficiency. Last evaluated: 2025-05-14. Review status: no assertion criteria provided. Collection method: clinical testing. Allele origin: germline. Not counted in ClinVar's aggregate classification.

Literature cited by the submitters: PubMed 8962591 (cited by Division Of Personalized Genomic Medicine, Columbia University Irving Medical Center).

NM_000284.4(PDHA1):c.1159_1164dup (p.Ser388_Val389insLysSer)

Gene: PDHA1 (pyruvate dehydrogenase E1 subunit alpha 1; plus strand). Cytogenetic location: Xp22.12.
Variant type: Duplication.
Coding change: c.1159_1164dup on transcript NM_000284.4 (MANE Select); coding-DNA positions 1159 to 1164, 6 bases duplicated (AAGTCA; older notation c.1159_1164dupAAGTCA).
Protein change: p.Ser388_Val389insLysSer.
Molecular consequence: inframe insertion.
Genome position (GRCh38, 1-based): chrX:19,359,639-19,359,644, AAGTCA duplicated. VCF-style (leftmost placement, unchanged base first): chrX-19359638-T-TAAGTCA. GRCh37 (hg19) VCF-style: chrX-19377756-T-TAAGTCA.
Other names: c.1273_1278dup, p.Ser426_Val427insLysSer (NM_001173454.2); c.1180_1185dup, p.Ser395_Val396insLysSer (NM_001173455.2); c.1066_1071dup, p.Ser357_Val358insLysSer (NM_001173456.2); c.1159_1164dup (NM_000284.3).
Identifiers: ClinVar variation 2581073 (VCV002581073.3), dbSNP rs2063248337, ClinGen allele CA2418225621.